The following is an entry in ClinVar:

ClinVar aggregate classification (germline): Pathogenic (1 of 4 stars; one submission).

Conditions:
Osteogenesis imperfecta type III (OI3). Also called: Progressively Deforming Osteogenesis Imperfecta; Osteogenesis imperfecta type 3; OI type 3; Osteogenesis imperfecta, progressively deforming with normal sclerae; OI type III. Identifiers: Orphanet 216812, Orphanet 666, MedGen C0268362, MONDO:0009804, OMIM 259420.

Submission:

Clinical Biomedical Laboratory, Shriners Hospital For Children - Canada
Classification: Pathogenic for Osteogenesis imperfecta type III. Last evaluated: 2025-07-16. Review status: criteria provided, single submitter. Criteria: ACMG Guidelines, 2015. Collection method: clinical testing. Allele origin: germline. Affected: yes.
Comment: This variant is predicted to substitute a glycine residue by a serine residue in the alpha 2 chain of collagen type I. Glycine substitutions in the triple helical domain of collagen type I cause disruption in the formation of the triple helix in the collagen molecule and are a typical cause of osteogenesis imperfecta. This variant is absent from the Genome Aggregation Database v.2.1.1, indicating it is very rare. This variant has been reported in the literature (PMID 17078022). prediction tools: (REVEL: 0.99 suggest that the change is detrimental to protein function.

Literature cited by the submitters: PubMed 17078022.

NM_000089.4(COL1A2):c.1108G>A (p.Gly370Ser)

Gene: COL1A2 (collagen type I alpha 2 chain; plus strand). Cytogenetic location: 7q21.3.
Variant type: single nucleotide variant.
Coding change: c.1108G>A on transcript NM_000089.4 (MANE Select); coding-DNA position 1108, G replaced by A.
Protein change: p.Gly370Ser; replaces glycine 370 with serine.
Molecular consequence: missense variant.
Genome position (GRCh38, 1-based): chr7:94,410,438, G>A. VCF-style: chr7-94410438-G-A. GRCh37 (hg19) VCF-style: chr7-94039750-G-A.
Other names: short protein forms G370S.
Identifiers: ClinVar variation 4075337 (VCV004075337.1).